The following is an entry in ClinVar:

ClinVar aggregate classification (germline): Uncertain significance (1 of 4 stars; one submission).

Conditions:
Charcot-Marie-Tooth disease dominant intermediate C (CMTDIC). Also called: CHARCOT-MARIE-TOOTH NEUROPATHY, DOMINANT INTERMEDIATE C. Identifiers: Orphanet 100045, MedGen C1842237, MONDO:0012012, OMIM 608323.

gnomAD v4.1: 3 of 1,614,098 alleles (0.00019%); highest among the groups gnomAD compares: Non-Finnish European, 0.00025%; no homozygotes.

Submission:

Labcorp Genetics (formerly Invitae), Labcorp
Classification: Uncertain significance for Charcot-Marie-Tooth disease dominant intermediate C. Last evaluated: 2022-11-01. Review status: criteria provided, single submitter. Criteria: Invitae Variant Classification Sherloc (09022015). Collection method: clinical testing. Allele origin: germline.
Comment: This sequence change replaces valine, which is neutral and non-polar, with leucine, which is neutral and non-polar, at codon 267 of the YARS protein (p.Val267Leu). In summary, the available evidence is currently insufficient to determine the role of this variant in disease. Therefore, it has been classified as a Variant of Uncertain Significance. Advanced modeling of protein sequence and biophysical properties (such as structural, functional, and spatial information, amino acid conservation, physicochemical variation, residue mobility, and thermodynamic stability) performed at Invitae indicates that this missense variant is expected to disrupt YARS protein function. ClinVar contains an entry for this variant (Variation ID: 944087). This variant has not been reported in the literature in individuals affected with YARS-related conditions. This variant is not present in population databases (gnomAD no frequency).

NM_003680.4(YARS1):c.799G>C (p.Val267Leu)

Genes: YARS1 (tyrosyl-tRNA synthetase 1; minus strand), LOC126805688 (BRD4-independent group 4 enhancer GRCh37_chr1:33251929-33253128; plus strand). Cytogenetic location: 1p35.1.
Variant type: single nucleotide variant.
Coding change: c.799G>C on transcript NM_003680.4 (MANE Select); coding-DNA position 799, G replaced by C.
Protein change: p.Val267Leu; replaces valine 267 with leucine.
Molecular consequence: missense variant.
Genome position (GRCh38, 1-based): chr1:32,786,961, C>G on the plus strand (G>C on the coding strand, the complement: YARS1 is on the minus strand). VCF-style: chr1-32786961-C-G. GRCh37 (hg19) VCF-style: chr1-33252562-C-G.
Other names: short protein forms V267L.
Identifiers: ClinVar variation 944087 (VCV000944087.10), dbSNP rs1230847972, ClinGen allele CA339685077.